The following is an entry in ClinVar:

NM_001005361.3(DNM2):c.858C>G (p.Thr286=)

Gene: DNM2 (dynamin 2; plus strand). Cytogenetic location: 19p13.2.
Variant type: single nucleotide variant.
Coding change: c.858C>G on transcript NM_001005361.3 (MANE Select); coding-DNA position 858, C replaced by G.
Protein change: p.Thr286=; no amino-acid change (threonine 286 retained).
Molecular consequence: synonymous variant.
Genome position (GRCh38, 1-based): chr19:10,786,572, C>G. VCF-style: chr19-10786572-C-G. GRCh37 (hg19) VCF-style: chr19-10897248-C-G.
Other names: c.858C>G, p.Thr286= (NM_001005360.3, NM_001005362.3, NM_001190716.2 and 1 more transcripts).
Identifiers: ClinVar variation 512271 (VCV000512271.12), dbSNP rs542637338, ClinGen allele CA9200916.
Genomic context (GRCh38, chr19:10,786,572, plus strand): 5'-CCTGGTATCCTGCCCATGCCACCCTTTCTGATCTCTGACCTCTCTCCTGCAGCAACTGAC[C>G]AACCACATCCGGGAGTCGCTGCCGGCCCTACGTAGCAAACTACAGAGCCAGCTGCTGTCC-3'
Protein context (NP_001005361.1, residues 276-296): HLQKTLNQQL[Thr286=]NHIRESLPAL

ClinVar aggregate classification (germline): Likely benign. Review status: criteria provided, multiple submitters, no conflicts (2 of 4 stars). 3 submissions from 3 submitters: Likely benign (3). Last evaluated 2025-04-11.

Conditions:
Charcot-Marie-Tooth disease dominant intermediate B (CMTDIB). Also called: CHARCOT-MARIE-TOOTH NEUROPATHY, DOMINANT INTERMEDIATE B; Charcot-Marie-Tooth disease dominant intermediate 1; CMT DI1; Charcot-Marie-Tooth disease dominant intermediate I. Identifiers: Orphanet 100044, Orphanet 228179, MedGen C1847902, MONDO:0011674, OMIM 606482.
Inborn genetic diseases. Identifiers: MedGen C0950123, MeSH D030342.

Allele frequency attached by ClinVar (database versions not stated): gnomAD 0.00001 and 0.00002; gnomAD exomes 0.00001 and 0.00005; ExAC 0.00003; TOPMed 0.00003; 1000 Genomes Project 30x 0.00016; 1000 Genomes Project 0.00020.
gnomAD v4.1: 18 of 1,614,168 alleles (0.0011%); highest among the groups gnomAD compares: East Asian, 0.036%; no homozygotes.

Submissions (3):

Labcorp Genetics (formerly Invitae), Labcorp
Classification: Likely benign for Charcot-Marie-Tooth disease dominant intermediate B. Last evaluated: 2025-04-11. Review status: criteria provided, single submitter. Criteria: Invitae Variant Classification Sherloc (09022015). Collection method: clinical testing. Allele origin: germline.

Ambry Genetics
Classification: Likely benign for Inborn genetic diseases. Last evaluated: 2019-07-11. Review status: criteria provided, single submitter. Criteria: Ambry Variant Classification Scheme 2023. Collection method: clinical testing. Allele origin: germline.

GeneDx
Classification: Likely benign. Last evaluated: 2017-09-22. Review status: criteria provided, single submitter. Criteria: GeneDx Variant Classification (06012015). Collection method: clinical testing. Allele origin: germline. Affected: yes.
Comment: This variant is considered likely benign or benign based on one or more of the following criteria: it is a conservative change, it occurs at a poorly conserved position in the protein, it is predicted to be benign by multiple in silico algorithms, and/or has population frequency not consistent with disease.